The following is an entry in ClinVar:

NM_013322.3(SNX10):c.295G>C (p.Glu99Gln)

Gene: SNX10 (sorting nexin 10; plus strand). Cytogenetic location: 7p15.2.
Variant type: single nucleotide variant.
Coding change: c.295G>C on transcript NM_013322.3 (MANE Select); coding-DNA position 295, G replaced by C.
Protein change: p.Glu99Gln; replaces glutamic acid 99 with glutamine.
Molecular consequence: missense variant.
Genome position (GRCh38, 1-based): chr7:26,365,129, G>C. VCF-style: chr7-26365129-G-C. GRCh37 (hg19) VCF-style: chr7-26404749-G-C.
Other names: c.295G>C, p.Glu99Gln (NM_001199835.1, NM_001318199.3); c.286G>C, p.Glu96Gln (NM_001199837.3); c.43G>C, p.Glu15Gln (NM_001199838.2); c.373G>C, p.Glu125Gln (NM_001318198.1, NM_001362753.1, NM_001362754.1); short protein forms E99Q, E15Q, E96Q, E125Q.
Identifiers: ClinVar variation 1471078 (VCV001471078.8), dbSNP rs750943111, ClinGen allele CA4195223.
Genomic context (GRCh38, chr7:26,365,129, plus strand): 5'-AAAAACCTGTTTTTCAACATGAACAATCGCCAGCACGTGGATCAGCGTCGCCAGGGTCTG[G>C]AAGATTTCCTCAGAAAGTGAGTGTCCAGAAACTTTTGTGGCCAGACAAGGGGTGTGAGCA-3'
Protein context (NP_037454.2, residues 89-109): QHVDQRRQGL[Glu99Gln]DFLRKVLQNA

ClinVar aggregate classification (germline): Uncertain significance (1 of 4 stars; one submission).

Allele frequency attached by ClinVar (database versions not stated): gnomAD exomes 0.00001; ExAC 0.00002.
gnomAD v4.1: 5 of 1,610,682 alleles (0.00031%); highest among the groups gnomAD compares: South Asian, 0.0055%; no homozygotes.

Submission:

Labcorp Genetics (formerly Invitae), Labcorp
Classification: Uncertain significance. Last evaluated: 2022-12-06. Review status: criteria provided, single submitter. Criteria: Invitae Variant Classification Sherloc (09022015). Collection method: clinical testing. Allele origin: germline.
Comment: In summary, the available evidence is currently insufficient to determine the role of this variant in disease. Therefore, it has been classified as a Variant of Uncertain Significance. Algorithms developed to predict the effect of missense changes on protein structure and function (SIFT, PolyPhen-2, Align-GVGD) all suggest that this variant is likely to be tolerated. ClinVar contains an entry for this variant (Variation ID: 1471078). This variant has not been reported in the literature in individuals affected with SNX10-related conditions. This variant is present in population databases (rs750943111, gnomAD 0.007%). This sequence change replaces glutamic acid, which is acidic and polar, with glutamine, which is neutral and polar, at codon 99 of the SNX10 protein (p.Glu99Gln).